The following is an entry in ClinVar:

NM_014141.6(CNTNAP2):c.3431C>G (p.Thr1144Ser)

Gene: CNTNAP2 (contactin associated protein 2; plus strand). Cytogenetic location: 7q36.1.
Variant type: single nucleotide variant.
Coding change: c.3431C>G on transcript NM_014141.6 (MANE Select); coding-DNA position 3431, C replaced by G.
Protein change: p.Thr1144Ser; replaces threonine 1144 with serine.
Molecular consequence: missense variant.
Genome position (GRCh38, 1-based): chr7:148,267,082, C>G. VCF-style: chr7-148267082-C-G. GRCh37 (hg19) VCF-style: chr7-147964174-C-G.
Other names: short protein forms T1144S.
Identifiers: ClinVar variation 285390 (VCV000285390.12), dbSNP rs775781258, ClinGen allele CA4546654.

ClinVar aggregate classification (germline): Uncertain significance. Review status: criteria provided, multiple submitters, no conflicts (2 of 4 stars). 4 submissions from 4 submitters: Uncertain significance (4). Last evaluated 2025-09-01.

Conditions:
Inborn genetic diseases. Identifiers: MedGen C0950123, MeSH D030342.
Cortical dysplasia-focal epilepsy syndrome (PTHSL1). Also called: Pitt-Hopkins-like syndrome 1. Identifiers: Orphanet 163681, Orphanet 221150, MedGen C2750246, MONDO:0012400, OMIM 610042.

Allele frequency attached by ClinVar (database versions not stated): gnomAD 0.00001 and 0.00002; TOPMed 0.00001; ExAC 0.00002.
gnomAD v4.1: 67 of 1,614,012 alleles (0.0042%); highest among the groups gnomAD compares: Non-Finnish European, 0.0054%; no homozygotes.

Submissions (4):

Ambry Genetics
Classification: Uncertain significance for Inborn genetic diseases. Last evaluated: 2025-09-01. Review status: criteria provided, single submitter. Criteria: Ambry Variant Classification Scheme 2023. Collection method: clinical testing. Allele origin: germline.

Labcorp Genetics (formerly Invitae), Labcorp
Classification: Uncertain significance for Cortical dysplasia-focal epilepsy syndrome. Last evaluated: 2022-03-19. Review status: criteria provided, single submitter. Criteria: Invitae Variant Classification Sherloc (09022015). Collection method: clinical testing. Allele origin: germline.
Comment: This sequence change replaces threonine, which is neutral and polar, with serine, which is neutral and polar, at codon 1144 of the CNTNAP2 protein (p.Thr1144Ser). This variant is present in population databases (rs775781258, gnomAD 0.004%). This variant has not been reported in the literature in individuals affected with CNTNAP2-related conditions. ClinVar contains an entry for this variant (Variation ID: 285390). Algorithms developed to predict the effect of missense changes on protein structure and function (SIFT, PolyPhen-2, Align-GVGD) all suggest that this variant is likely to be tolerated. Algorithms developed to predict the effect of sequence changes on RNA splicing suggest that this variant may create or strengthen a splice site. In summary, the available evidence is currently insufficient to determine the role of this variant in disease. Therefore, it has been classified as a Variant of Uncertain Significance.

Baylor Genetics
Classification: Uncertain significance for Cortical dysplasia-focal epilepsy syndrome. Last evaluated: 2019-06-07. Review status: criteria provided, single submitter. Criteria: ACMG Guidelines, 2015. Collection method: clinical testing. Allele origin: unknown. Affected: yes.
Comment: This variant was determined to be of uncertain significance according to ACMG Guidelines, 2015 [PMID:25741868].

Eurofins Ntd Llc (ga)
Classification: Uncertain significance. Last evaluated: 2016-01-13. Review status: criteria provided, single submitter. Criteria: EGL Classification Definitions 2015. Collection method: clinical testing. Allele origin: germline. Observed: 1 variant allele, 1 heterozygote.